The following is an entry in ClinVar:

NM_001290321.3(DMXL1):c.5067A>G (p.Leu1689=)

Gene: DMXL1 (Dmx like 1; plus strand). Cytogenetic location: 5q23.1.
Variant type: single nucleotide variant.
Coding change: c.5067A>G on transcript NM_001290321.3 (MANE Select); coding-DNA position 5067, A replaced by G.
Protein change: p.Leu1689=; no amino-acid change (leucine 1689 retained).
Molecular consequence: synonymous variant. On other transcripts: non-coding transcript variant (3).
Genome position (GRCh38, 1-based): chr5:119,166,712, A>G. VCF-style: chr5-119166712-A-G. GRCh37 (hg19) VCF-style: chr5-118502407-A-G.
Other names: c.5067A>G, p.Leu1689= (NM_001349239.2, NM_001349240.2, NM_001387933.1 and 2 more transcripts); c.4362A>G, p.Leu1454= (NM_001387937.1); c.4080A>G, p.Leu1360= (NM_001387938.1).
Identifiers: ClinVar variation 3058297 (VCV003058297.2), dbSNP rs2534132639, ClinGen allele CA446035937.

ClinVar aggregate classification (germline): Likely benign (0 of 4 stars; one submission).

Conditions:
DMXL1-related disorder. Also called: DMXL1-related condition.

Allele frequency attached by ClinVar (database versions not stated): gnomAD exomes below 0.00001.
gnomAD v4.1: 2 of 1,613,244 alleles (0.00012%); highest among the groups gnomAD compares: South Asian, 0.0022%; no homozygotes.

Submission:

PreventionGenetics, part of Exact Sciences
Classification: Likely benign for DMXL1-related condition. Last evaluated: 2019-04-08. Review status: no assertion criteria provided. Collection method: clinical testing. Allele origin: germline.
Comment: This variant is classified as likely benign based on ACMG/AMP sequence variant interpretation guidelines (Richards et al. 2015 PMID: 25741868, with internal and published modifications).